The following is an entry in ClinVar:

NM_003072.5(SMARCA4):c.1040A>G (p.Gln347Arg)

Gene: SMARCA4 (SWI/SNF related BAF chromatin remodeling complex subunit ATPase 4; plus strand). Cytogenetic location: 19p13.2.
Variant type: single nucleotide variant.
Coding change: c.1040A>G on transcript NM_003072.5 (MANE Select); coding-DNA position 1040, A replaced by G.
Protein change: p.Gln347Arg; replaces glutamine 347 with arginine.
Molecular consequence: missense variant. On other transcripts: non-coding transcript variant (1).
Genome position (GRCh38, 1-based): chr19:10,987,846, A>G. VCF-style: chr19-10987846-A-G. GRCh37 (hg19) VCF-style: chr19-11098522-A-G.
Other names: c.1040A>G, p.Gln347Arg (NM_001128844.3, NM_001128845.2, NM_001128846.2 and 6 more transcripts); short protein forms Q347R.
Identifiers: ClinVar variation 3233062 (VCV003233062.2), dbSNP rs2145820314, ClinGen allele CA404058687.

ClinVar aggregate classification (germline): Uncertain significance. Review status: criteria provided, multiple submitters, no conflicts (2 of 4 stars). 2 submissions from 2 submitters: Uncertain significance (2). Last evaluated 2026-01-06.

Conditions:
Hereditary cancer-predisposing syndrome. Also called: Neoplastic Syndromes, Hereditary; Tumor predisposition; Hereditary neoplastic syndrome; Hereditary Cancer Syndrome. Identifiers: Orphanet 140162, MedGen C0027672, MeSH D009386, MONDO:0015356.
Rhabdoid tumor predisposition syndrome 2 (RTPS2). Identifiers: Orphanet 231108, Orphanet 69077, MedGen C2750074, MONDO:0013224, OMIM 613325.

Submissions (2):

Labcorp Genetics (formerly Invitae), Labcorp
Classification: Uncertain significance for Rhabdoid tumor predisposition syndrome 2. Last evaluated: 2026-01-06. Review status: criteria provided, single submitter. Criteria: Invitae Variant Classification Sherloc (09022015). Collection method: clinical testing. Allele origin: germline.
Comment: This sequence change replaces glutamine, which is neutral and polar, with arginine, which is basic and polar, at codon 347 of the SMARCA4 protein (p.Gln347Arg). This variant is not present in population databases (gnomAD no frequency). This variant has not been reported in the literature in individuals affected with SMARCA4-related conditions. ClinVar contains an entry for this variant (Variation ID: 3233062). Invitae Evidence Modeling of protein sequence and biophysical properties (such as structural, functional, and spatial information, amino acid conservation, physicochemical variation, residue mobility, and thermodynamic stability) has been performed for this missense variant. However, the output from this modeling did not meet the statistical confidence thresholds required to predict the impact of this variant on SMARCA4 protein function. In summary, the available evidence is currently insufficient to determine the role of this variant in disease. Therefore, it has been classified as a Variant of Uncertain Significance.

Ambry Genetics
Classification: Uncertain significance for Hereditary cancer-predisposing syndrome. Last evaluated: 2024-01-05. Review status: criteria provided, single submitter. Criteria: Ambry Variant Classification Scheme 2023. Collection method: clinical testing. Allele origin: germline.
Comment: The p.Q347R variant (also known as c.1040A>G), located in coding exon 5 of the SMARCA4 gene, results from an A to G substitution at nucleotide position 1040. The glutamine at codon 347 is replaced by arginine, an amino acid with highly similar properties. This amino acid position is well conserved in available vertebrate species. In addition, this alteration is predicted to be tolerated by in silico analysis. Missense and in-frame variants in SMARCA4 are known to cause neurodevelopmental disorders; however, such associations with rhabdoid tumor predisposition syndrome including small cell carcinoma of the ovary-hypercalcemic type (SCCOHT) are exceedingly rare (Kosho T et al. Am J Med Genet C Semin Med Genet. 2014 Sep;166C(3):262-75; Jelinic P et al. Nat Genet. 2014 May;46(5):424-6). Based on the supporting evidence, the association of this alteration with Coffin-Siris syndrome is unknown; however, the association of this alteration with rhabdoid tumor predisposition syndrome is unlikely.